The following is an entry in ClinVar:

NM_002470.4(MYH3):c.484G>A (p.Ala162Thr)

Gene: MYH3 (myosin heavy chain 3; minus strand). Cytogenetic location: 17p13.1.
Variant type: single nucleotide variant.
Coding change: c.484G>A on transcript NM_002470.4 (MANE Select); coding-DNA position 484, G replaced by A.
Protein change: p.Ala162Thr; replaces alanine 162 with threonine.
Molecular consequence: missense variant.
Genome position (GRCh38, 1-based): chr17:10,651,533, C>T on the plus strand (G>A on the coding strand, the complement: MYH3 is on the minus strand). VCF-style: chr17-10651533-C-T. GRCh37 (hg19) VCF-style: chr17-10554850-C-T.
Other names: short protein forms A162T.
Identifiers: ClinVar variation 1932820 (VCV001932820.6), dbSNP rs1031781302, ClinGen allele CA287754161.

ClinVar aggregate classification (germline): Conflicting classifications of pathogenicity. Review status: criteria provided, conflicting classifications (1 of 4 stars). 2 submissions from 2 submitters: Likely pathogenic (1); Uncertain significance (1). Last evaluated 2025-06-29.

Conditions:
Contractures, pterygia, and spondylocarpotarsal fusion syndrome 1A (CPSFS1A). Also called: Contractures, pterygia, and variable skeletal fusions syndrome 1A; MULTIPLE PTERYGIUM SYNDROME, AUTOSOMAL DOMINANT; Distal arthrogryposis type 8. Identifiers: Orphanet 65743, MedGen C1867440, MONDO:0008338, OMIM 178110.

Allele frequency attached by ClinVar (database versions not stated): TOPMed below 0.00001.
gnomAD v4.1: 1 of 1,613,730 alleles (0.000062%); no homozygotes.

Submissions (2):

Labcorp Genetics (formerly Invitae), Labcorp
Classification: Uncertain significance. Last evaluated: 2025-06-29. Review status: criteria provided, single submitter. Criteria: Invitae Variant Classification Sherloc (09022015). Collection method: clinical testing. Allele origin: germline.
Comment: This sequence change replaces alanine, which is neutral and non-polar, with threonine, which is neutral and polar, at codon 162 of the MYH3 protein (p.Ala162Thr). This variant is not present in population databases (gnomAD no frequency). This variant has not been reported in the literature in individuals affected with MYH3-related conditions. ClinVar contains an entry for this variant (Variation ID: 1932820). Invitae Evidence Modeling of protein sequence and biophysical properties (such as structural, functional, and spatial information, amino acid conservation, physicochemical variation, residue mobility, and thermodynamic stability) has been performed for this missense variant. However, the output from this modeling did not meet the statistical confidence thresholds required to predict the impact of this variant on MYH3 protein function. In summary, the available evidence is currently insufficient to determine the role of this variant in disease. Therefore, it has been classified as a Variant of Uncertain Significance.

Genomic Medicine Center of Excellence, King Faisal Specialist Hospital and Research Centre
Classification: Likely pathogenic for Contractures, pterygia, and spondylocarpotarsal fusion syndrome 1A. Last evaluated: 2024-03-25. Review status: criteria provided, single submitter. Criteria: ACMG Guidelines, 2015. Collection method: clinical testing. Allele origin: germline.